The following is an entry in ClinVar:

ClinVar aggregate classification (germline): Pathogenic (1 of 4 stars; one submission).

Conditions:
Hereditary cancer-predisposing syndrome. Also called: Tumor predisposition; Hereditary neoplastic syndrome; Hereditary Cancer Syndrome; Neoplastic Syndromes, Hereditary. Identifiers: Orphanet 140162, MedGen C0027672, MeSH D009386, MONDO:0015356.

Submission:

Ambry Genetics
Classification: Pathogenic for Hereditary cancer-predisposing syndrome. Last evaluated: 2025-05-07. Review status: criteria provided, single submitter. Criteria: Ambry Variant Classification Scheme 2023. Collection method: clinical testing. Allele origin: germline.
Comment: The c.1380_1381delGGinsATTGTT pathogenic mutation, located in coding exon 9 of the ATM gene, results from the deletion of two nucleotides and insertion of 6 nucleotides causing a translational frameshift with a predicted alternate stop codon (p.E461Lfs*27). This variant is considered to be rare based on population cohorts in the Genome Aggregation Database (gnomAD). This alteration is expected to result in loss of function by premature protein truncation or nonsense-mediated mRNA decay. As such, this alteration is interpreted as a disease-causing mutation.

NM_000051.4(ATM):c.1380_1381delinsATTGTT (p.Glu461fs)

Gene: ATM (ATM serine/threonine kinase; plus strand). Cytogenetic location: 11q22.3.
Variant type: Indel.
Coding change: c.1380_1381delinsATTGTT on transcript NM_000051.4 (MANE Select); coding-DNA positions 1380 to 1381, GG replaced by ATTGTT.
Protein change: p.Glu461fs; shifts the reading frame from glutamic acid 461.
Molecular consequence: frameshift variant.
Genome position (GRCh38, 1-based): chr11:108,250,845-108,250,846, GG replaced by ATTGTT. VCF-style: chr11-108250845-GG-ATTGTT. GRCh37 (hg19) VCF-style: chr11-108121572-GG-ATTGTT.
Other names: c.1380_1381delinsATTGTT, p.Glu461fs (NM_001351834.2); short protein forms E461fs.
Identifiers: ClinVar variation 3966463 (VCV003966463.1).